The following is an entry in ClinVar:

ClinVar aggregate classification (germline): Uncertain significance (1 of 4 stars; one submission).

Conditions:
Epileptic encephalopathy. Identifiers: MedGen C0543888, HP:0200134.

Allele frequency attached by ClinVar (database versions not stated): gnomAD exomes below 0.00001 and 0.00002; ExAC 0.00003; gnomAD 0.00005 and 0.00007; TOPMed 0.00012; ESP Exome Variant Server 0.00015.
gnomAD v4.1: 11 of 1,605,922 alleles (0.00068%); highest among the groups gnomAD compares: African/African-American, 0.012%; no homozygotes.

Submission:

Labcorp Genetics (formerly Invitae), Labcorp
Classification: Uncertain significance for Epileptic encephalopathy. Last evaluated: 2025-03-16. Review status: criteria provided, single submitter. Criteria: Invitae Variant Classification Sherloc (09022015). Collection method: clinical testing. Allele origin: germline.
Comment: This sequence change replaces glutamine, which is neutral and polar, with lysine, which is basic and polar, at codon 278 of the FASN protein (p.Gln278Lys). This variant is present in population databases (rs376469026, gnomAD 0.02%). This variant has not been reported in the literature in individuals affected with FASN-related conditions. ClinVar contains an entry for this variant (Variation ID: 642230). An algorithm developed to predict the effect of missense changes on protein structure and function outputs the following: PolyPhen-2: "Benign". The lysine amino acid residue is found in multiple mammalian species, which suggests that this missense change does not adversely affect protein function. In summary, the available evidence is currently insufficient to determine the role of this variant in disease. Therefore, it has been classified as a Variant of Uncertain Significance.

NM_004104.5(FASN):c.832C>A (p.Gln278Lys)

Gene: FASN (fatty acid synthase; minus strand). Cytogenetic location: 17q25.3.
Variant type: single nucleotide variant.
Coding change: c.832C>A on transcript NM_004104.5 (MANE Select); coding-DNA position 832, C replaced by A.
Protein change: p.Gln278Lys; replaces glutamine 278 with lysine.
Molecular consequence: missense variant.
Genome position (GRCh38, 1-based): chr17:82,092,759, G>T on the plus strand (C>A on the coding strand, the complement: FASN is on the minus strand). VCF-style: chr17-82092759-G-T. GRCh37 (hg19) VCF-style: chr17-80050635-G-T.
Other names: short protein forms Q278K.
Identifiers: ClinVar variation 642230 (VCV000642230.10), dbSNP rs376469026, ClinGen allele CA8853369.